The following is an entry in ClinVar:

NM_003072.5(SMARCA4):c.3815C>T (p.Ala1272Val)

Gene: SMARCA4 (SWI/SNF related BAF chromatin remodeling complex subunit ATPase 4; plus strand). Cytogenetic location: 19p13.2.
Variant type: single nucleotide variant.
Coding change: c.3815C>T on transcript NM_003072.5 (MANE Select); coding-DNA position 3815, C replaced by T.
Protein change: p.Ala1272Val; replaces alanine 1272 with valine.
Molecular consequence: missense variant. On other transcripts: intron variant (5).
Genome position (GRCh38, 1-based): chr19:11,033,807, C>T. VCF-style: chr19-11033807-C-T. GRCh37 (hg19) VCF-style: chr19-11144483-C-T.
Other names: c.3815C>T, p.Ala1272Val (NM_001128844.3, NM_001128849.3); c.3774+290C>T (NM_001128847.4, NM_001374457.1, NM_001128845.2 and 2 more transcripts); short protein forms A1272V.
Identifiers: ClinVar variation 824254 (VCV000824254.4), dbSNP rs1600393609, ClinGen allele CA404066578.

ClinVar aggregate classification (germline): Uncertain significance (1 of 4 stars; one submission).

Conditions:
Hereditary cancer-predisposing syndrome. Also called: Neoplastic Syndromes, Hereditary; Tumor predisposition; Hereditary neoplastic syndrome; Hereditary Cancer Syndrome. Identifiers: Orphanet 140162, MedGen C0027672, MeSH D009386, MONDO:0015356.

Allele frequency attached by ClinVar (database versions not stated): gnomAD exomes below 0.00001.
gnomAD v4.1: 1 of 779,788 alleles (0.00013%); highest among the groups gnomAD compares: Non-Finnish European, 0.00024%; no homozygotes.

Submission:

Ambry Genetics
Classification: Uncertain significance for Hereditary cancer-predisposing syndrome. Last evaluated: 2019-12-10. Review status: criteria provided, single submitter. Criteria: Ambry Variant Classification Scheme 2023. Collection method: clinical testing. Allele origin: germline.
Comment: The p.A1272V variant (also known as c.3815C>T), located in coding exon 26 of the SMARCA4 gene, results from a C to T substitution at nucleotide position 3815. The alanine at codon 1272 is replaced by valine, an amino acid with similar properties. This amino acid position is highly conserved in available vertebrate species. In addition, the in silico prediction for this alteration is inconclusive. Since supporting evidence is limited at this time, the clinical significance of this alteration remains unclear.